The following is an entry in ClinVar:

ClinVar aggregate classification (germline): Pathogenic. Review status: reviewed by expert panel (3 of 4 stars). 2 submissions from 2 submitters: Pathogenic (1). 1 of the submissions does not count toward it. Last evaluated 2016-09-08.

Conditions:
Breast-ovarian cancer, familial, susceptibility to, 2 (BROVCA2). Also called: BRCA2 Hereditary Breast and Ovarian Cancer. Identifiers: Orphanet 145, MedGen C2675520, MONDO:0012933, OMIM 612555. Disease mechanism: loss of function.

Submissions (2):

Evidence-based Network for the Interpretation of Germline Mutant Alleles (ENIGMA)
Classification: Pathogenic for Breast-ovarian cancer, familial, susceptibility to, 2. Last evaluated: 2016-09-08. Review status: reviewed by expert panel. Criteria: ENIGMA BRCA1/2 Classification Criteria (2015). Collection method: curation. Allele origin: germline.
Comment: Variant allele predicted to encode a truncated non-functional protein.

Department of Clinical Genetics, Copenhagen University Hospital, Rigshospitalet
Classification: Pathogenic for Breast-ovarian cancer, familial, susceptibility to, 2. Last evaluated: 2024-05-27. Review status: criteria provided, single submitter. Criteria: ACMG Guidelines, 2015. Collection method: clinical testing. Allele origin: germline. Affected: yes. Not counted in ClinVar's aggregate classification.
Comment: PVS1; PM2_supporting; PM5_PTC_Strong

NM_000059.4(BRCA2):c.8488_8489del

Gene: BRCA2 (BRCA2 DNA repair associated; plus strand). Cytogenetic location: 13q13.1.
Variant type: Deletion.
Coding change: c.8488_8489del on transcript NM_000059.4 (MANE Select); coding-DNA positions 8488 to 8489, 2 bases deleted (TG; older notation c.8488_8489delTG).
Molecular consequence: splice acceptor variant.
Genome position (GRCh38, 1-based): chr13:32,370,956-32,370,957, TG deleted; deleting any 2 consecutive bases within chr13:32,370,955-32,370,957 gives the same sequence; the c. name uses the placement nearest the transcript's 3' end. VCF-style (leftmost placement, unchanged base first): chr13-32370954-AGT-A. GRCh37 (hg19) VCF-style: chr13-32945091-AGT-A.
Identifiers: ClinVar variation 254624 (VCV000254624.5), dbSNP rs886038183, ClinGen allele CA10586590.
Genomic context (GRCh38, chr13:32,370,954, plus strand): 5'-GATACAATTAACTTGAATGTTATATATGTGACTTTTTTGGTGTGTGTAACACATTATTAC[AGT>A]GGATGGAGAAGACATCATCTGGATTATACATATTTCGCAATGAAAGAGAGGAAGAAAAGG-3'